The following is an entry in ClinVar:

NM_002049.4(GATA1):c.149C>T (p.Pro50Leu)

Gene: GATA1 (GATA binding protein 1; plus strand). Cytogenetic location: Xp11.23.
Variant type: single nucleotide variant.
Coding change: c.149C>T on transcript NM_002049.4 (MANE Select); coding-DNA position 149, C replaced by T.
Protein change: p.Pro50Leu; replaces proline 50 with leucine.
Molecular consequence: missense variant.
Genome position (GRCh38, 1-based): chrX:48,791,258, C>T. VCF-style: chrX-48791258-C-T. GRCh37 (hg19) VCF-style: chrX-48649665-C-T.
Other names: short protein forms P50L.
Identifiers: ClinVar variation 3751150 (VCV003751150.1).

ClinVar aggregate classification (germline): Uncertain significance (1 of 4 stars; one submission).

Conditions:
GATA binding protein 1 related thrombocytopenia with dyserythropoiesis. Also called: GATA1-Related X-Linked Cytopenia; GATA1-Related Cytopenia. Identifiers: MedGen C1845837, MONDO:0100089.
Diamond-Blackfan anemia. Also called: Blackfan Diamond syndrome; Aregenerative anemia chronic congenital; Red cell aplasia, pure hereditary; Congenital hypoplastic anemia; Aase syndrome. Identifiers: Orphanet 124, MedGen C1260899, MeSH D029503, MONDO:0015253, HP:0004810.

Submission:

Labcorp Genetics (formerly Invitae), Labcorp
Classification: Uncertain significance for GATA binding protein 1 related thrombocytopenia with dyserythropoiesis; Diamond-Blackfan anemia. Last evaluated: 2024-10-17. Review status: criteria provided, single submitter. Criteria: Invitae Variant Classification Sherloc (09022015). Collection method: clinical testing. Allele origin: germline.
Comment: This sequence change replaces proline, which is neutral and non-polar, with leucine, which is neutral and non-polar, at codon 50 of the GATA1 protein (p.Pro50Leu). The frequency data for this variant in the population databases is considered unreliable, as metrics indicate poor data quality at this position in the gnomAD database. This variant has not been reported in the literature in individuals affected with GATA1-related conditions. Invitae Evidence Modeling of protein sequence and biophysical properties (such as structural, functional, and spatial information, amino acid conservation, physicochemical variation, residue mobility, and thermodynamic stability) indicates that this missense variant is not expected to disrupt GATA1 protein function with a negative predictive value of 95%. In summary, the available evidence is currently insufficient to determine the role of this variant in disease. Therefore, it has been classified as a Variant of Uncertain Significance.